The following is an entry in ClinVar:

NM_015202.5(KATNIP):c.140G>A (p.Arg47Gln)

Gene: KATNIP (katanin interacting protein; plus strand). Cytogenetic location: 16p12.1.
Variant type: single nucleotide variant.
Coding change: c.140G>A on transcript NM_015202.5 (MANE Select); coding-DNA position 140, G replaced by A.
Protein change: p.Arg47Gln; replaces arginine 47 with glutamine.
Molecular consequence: missense variant.
Genome position (GRCh38, 1-based): chr16:27,618,501, G>A. VCF-style: chr16-27618501-G-A. GRCh37 (hg19) VCF-style: chr16-27629822-G-A.
Other names: c.140G>A (NM_015202.2); short protein forms R47Q.
Identifiers: ClinVar variation 808021 (VCV000808021.44), dbSNP rs781332905, ClinGen allele CA7977217.

ClinVar aggregate classification (germline): Uncertain significance. Review status: criteria provided, multiple submitters, no conflicts (2 of 4 stars). 3 submissions from 3 submitters: Uncertain significance (3). Last evaluated 2025-06-25.

Allele frequency attached by ClinVar (database versions not stated): TOPMed 0.00001; ExAC 0.00008.
gnomAD v4.1: 22 of 1,606,008 alleles (0.0014%); highest among the groups gnomAD compares: South Asian, 0.012%; no homozygotes.

Submissions (3):

Labcorp Genetics (formerly Invitae), Labcorp
Classification: Uncertain significance. Last evaluated: 2025-06-25. Review status: criteria provided, single submitter. Criteria: Invitae Variant Classification Sherloc (09022015). Collection method: clinical testing. Allele origin: germline.
Comment: This sequence change replaces arginine, which is basic and polar, with glutamine, which is neutral and polar, at codon 47 of the KIAA0556 protein (p.Arg47Gln). This variant also falls at the last nucleotide of exon 3, which is part of the consensus splice site for this exon. This variant is present in population databases (rs781332905, gnomAD 0.09%). This variant has not been reported in the literature in individuals affected with KIAA0556-related conditions. ClinVar contains an entry for this variant (Variation ID: 808021). An algorithm developed to predict the effect of missense changes on protein structure and function (PolyPhen-2) suggests that this variant is likely to be disruptive. Variants that disrupt the consensus splice site are a relatively common cause of aberrant splicing (PMID: 17576681, 9536098). Algorithms developed to predict the effect of sequence changes on RNA splicing suggest that this variant may disrupt the consensus splice site. In summary, the available evidence is currently insufficient to determine the role of this variant in disease. Therefore, it has been classified as a Variant of Uncertain Significance.

Ambry Genetics
Classification: Uncertain significance. Last evaluated: 2022-03-17. Review status: criteria provided, single submitter. Criteria: Ambry Variant Classification Scheme 2023. Collection method: clinical testing. Allele origin: germline.
Comment: Occurs in the last base pair of the exon Based on insufficient or conflicting evidence, the clinical significance of this alteration remains unclear.

CeGaT Center for Human Genetics Tuebingen
Classification: Uncertain significance. Last evaluated: 2019-06-01. Review status: criteria provided, single submitter. Criteria: CeGaT Center For Human Genetics Tuebingen Variant Classification Criteria Version 2. Collection method: clinical testing. Allele origin: germline. Affected: yes. Observed: 1 variant allele.

Literature cited by the submitters: PubMed 17576681 (cited by Labcorp Genetics (formerly Invitae), Labcorp); PubMed 9536098 (cited by Labcorp Genetics (formerly Invitae), Labcorp).